The following is an entry in ClinVar:

ClinVar aggregate classification (germline): Uncertain significance. Review status: criteria provided, multiple submitters, no conflicts (2 of 4 stars). 2 submissions from 2 submitters: Uncertain significance (2). Last evaluated 2023-06-06.

Allele frequency attached by ClinVar (database versions not stated): gnomAD 0.00001.

Submissions (2):

GeneDx
Classification: Uncertain significance. Last evaluated: 2023-06-06. Review status: criteria provided, single submitter. Criteria: GeneDx Variant Classification Process June 2021. Collection method: clinical testing. Allele origin: germline. Affected: yes.
Comment: Not observed at significant frequency in large population cohorts (gnomAD); In silico analysis supports that this missense variant does not alter protein structure/function; Has not been previously published as pathogenic or benign to our knowledge

Labcorp Genetics (formerly Invitae), Labcorp
Classification: Uncertain significance. Last evaluated: 2021-10-11. Review status: criteria provided, single submitter. Criteria: Invitae Variant Classification Sherloc (09022015). Collection method: clinical testing. Allele origin: germline.
Comment: In summary, the available evidence is currently insufficient to determine the role of this variant in disease. Therefore, it has been classified as a Variant of Uncertain Significance. Algorithms developed to predict the effect of missense changes on protein structure and function are either unavailable or do not agree on the potential impact of this missense change (SIFT: "Deleterious"; PolyPhen-2: "Probably Damaging"; Align-GVGD: "Class C0"). This variant has not been reported in the literature in individuals affected with RAI1-related conditions. This variant is not present in population databases (ExAC no frequency). This sequence change replaces leucine with valine at codon 1239 of the RAI1 protein (p.Leu1239Val). The leucine residue is highly conserved and there is a small physicochemical difference between leucine and valine.

NM_030665.4(RAI1):c.3715C>G (p.Leu1239Val)

Gene: RAI1 (retinoic acid induced 1; plus strand). Cytogenetic location: 17p11.2.
Variant type: single nucleotide variant.
Coding change: c.3715C>G on transcript NM_030665.4 (MANE Select); coding-DNA position 3715, C replaced by G.
Protein change: p.Leu1239Val; replaces leucine 1239 with valine.
Molecular consequence: missense variant.
Genome position (GRCh38, 1-based): chr17:17,796,663, C>G. VCF-style: chr17-17796663-C-G. GRCh37 (hg19) VCF-style: chr17-17699977-C-G.
Other names: c.3715C>G (NM_030665.3); short protein forms L1239V.
Identifiers: ClinVar variation 1435179 (VCV001435179.7), dbSNP rs2032264934, ClinGen allele CA398554783.